The following is an entry in ClinVar:

ClinVar aggregate classification (germline): Benign. Review status: criteria provided, multiple submitters, no conflicts (2 of 4 stars). 3 submissions from 3 submitters: Benign (3). Last evaluated 2020-10-03.

Conditions:
Bartter disease type 1. Also called: HYPERPROSTAGLANDIN E SYNDROME 1; HYPOKALEMIC ALKALOSIS WITH HYPERCALCIURIA 1, ANTENATAL; Bartter syndrome, type 1, antenatal; Bartter Syndrome type 1. Identifiers: Orphanet 112, Orphanet 620217, MedGen C1866495, MONDO:0100344, OMIM 601678, MONDO:0011127.

Allele frequency attached by ClinVar (database versions not stated): gnomAD exomes 0.00502; gnomAD 0.04490 and 0.04798; TOPMed 0.05071; 1000 Genomes Project 0.05312; 1000 Genomes Project 30x 0.05637.
gnomAD v4.1: 9,106 of 579,698 alleles (1.6%); highest among the groups gnomAD compares: African/African-American, 16%; 664 homozygotes.

Submissions (3):

GeneDx
Classification: Benign. Last evaluated: 2020-10-03. Review status: criteria provided, single submitter. Criteria: GeneDx Variant Classification Process June 2021. Collection method: clinical testing. Allele origin: germline. Affected: yes.

Illumina Laboratory Services, Illumina
Classification: Benign for Bartter disease type 1. Last evaluated: 2018-01-13. Review status: criteria provided, single submitter. Criteria: ICSL Variant Classification Criteria 13 December 2019. Collection method: clinical testing. Allele origin: germline.
Comment: This variant was observed in the ICSL laboratory as part of a predisposition screen in an ostensibly healthy population. It had not been previously curated by ICSL or reported in the Human Gene Mutation Database (HGMD: prior to June 1st, 2018), and was therefore a candidate for classification through an automated scoring system. Utilizing variant allele frequency, disease prevalence and penetrance estimates, and inheritance mode, an automated score was calculated to assess if this variant is too frequent to cause the disease. Based on the score and internal cut-off values, a variant classified as benign is not then subjected to further curation. The score for this variant resulted in a classification of benign for this disease.

Breakthrough Genomics
Classification: Benign. Review status: criteria provided, single submitter. Criteria: ACMG Guidelines, 2015. Collection method: not provided. Allele origin: germline. Inheritance: Autosomal recessive inheritance. Affected: yes.

NM_000338.3(SLC12A1):c.-136A>G

Gene: SLC12A1 (solute carrier family 12 member 1; plus strand). Cytogenetic location: 15q21.1.
Variant type: single nucleotide variant.
Coding change: c.-136A>G on transcript NM_000338.3 (MANE Select); 136 bases upstream of the start codon, A replaced by G.
Molecular consequence: 5 prime UTR variant.
Genome position (GRCh38, 1-based): chr15:48,207,584, A>G. VCF-style: chr15-48207584-A-G. GRCh37 (hg19) VCF-style: chr15-48499781-A-G.
Other names: c.-136A>G (NM_001184832.2).
Identifiers: ClinVar variation 316250 (VCV000316250.7), dbSNP rs35787656, ClinGen allele CA10642052.